The following is an entry in ClinVar:

NM_001042492.3(NF1):c.1406A>T (p.Lys469Ile)

Gene: NF1 (neurofibromin 1; plus strand). Cytogenetic location: 17q11.2.
Variant type: single nucleotide variant.
Coding change: c.1406A>T on transcript NM_001042492.3 (MANE Select); coding-DNA position 1406, A replaced by T.
Protein change: p.Lys469Ile; replaces lysine 469 with isoleucine.
Molecular consequence: missense variant.
Genome position (GRCh38, 1-based): chr17:31,214,464, A>T. VCF-style: chr17-31214464-A-T. GRCh37 (hg19) VCF-style: chr17-29541482-A-T.
Other names: c.1406A>T, p.Lys469Ile (NM_000267.4, NM_001128147.3); short protein forms K469I.
Identifiers: ClinVar variation 5025538 (VCV005025538.1).
Genomic context (GRCh38, chr17:31,214,464, plus strand): 5'-TTATCCTGAGTCTTATGTCTGATACCATGTTTTTGTTTTGTTTTTAGAGTCTTACATTTA[A>T]AGAAAAAGTAACAAGCCTTAAATTTAAAGAAAAACCTACAGACCTGGAGACAAGAAGCTA-3'
Protein context (NP_001035957.1, residues 459-479): AIRMAPSLTF[Lys469Ile]EKVTSLKFKE

ClinVar aggregate classification (germline): Uncertain significance (1 of 4 stars; one submission).

Conditions:
Cardiovascular phenotype. Identifiers: MedGen CN230736.
Hereditary cancer-predisposing syndrome. Also called: Neoplastic Syndromes, Hereditary; Tumor predisposition; Hereditary neoplastic syndrome; Hereditary Cancer Syndrome. Identifiers: Orphanet 140162, MedGen C0027672, MeSH D009386, MONDO:0015356.

Submission:

Ambry Genetics
Classification: Uncertain significance for Cardiovascular phenotype; Hereditary cancer-predisposing syndrome. Last evaluated: 2026-06-23. Review status: criteria provided, single submitter. Criteria: Ambry Variant Classification Scheme 2023. Collection method: clinical testing. Allele origin: germline.
Comment: The p.K469I variant (also known as c.1406A>T), located in coding exon 13 of the NF1 gene, results from an A to T substitution at nucleotide position 1406. The lysine at codon 469 is replaced by isoleucine, an amino acid with dissimilar properties. This amino acid position is conserved. In addition, the in silico prediction for this alteration is inconclusive. Based on the available evidence, the clinical significance of this variant remains unclear.